The following is an entry in ClinVar:

ClinVar aggregate classification (germline): Likely benign (1 of 4 stars; one submission).

Allele frequency attached by ClinVar (database versions not stated): 1000 Genomes Project 0.00140; 1000 Genomes Project 30x 0.00141; ExAC 0.00302; ESP Exome Variant Server 0.00390; gnomAD 0.00397; TOPMed 0.00426; gnomAD exomes 0.00636.
gnomAD v4.1: 9,562 of 1,568,052 alleles (0.61%); highest among the groups gnomAD compares: Non-Finnish European, 0.76%; 58 homozygotes.

Submission:

CeGaT Center for Human Genetics Tuebingen
Classification: Likely benign. Last evaluated: 2022-07-01. Review status: criteria provided, single submitter. Criteria: CeGaT Center For Human Genetics Tuebingen Variant Classification Criteria Version 2. Collection method: clinical testing. Allele origin: germline. Affected: yes. Observed: 1 variant allele.
Comment: PPP1R18: BS2

NM_133471.4(PPP1R18):c.1743C>A (p.Asp581Glu)

Gene: PPP1R18 (protein phosphatase 1 regulatory subunit 18; minus strand). Cytogenetic location: 6p21.33.
Variant type: single nucleotide variant.
Coding change: c.1743C>A on transcript NM_133471.4 (MANE Select); coding-DNA position 1743, C replaced by A.
Protein change: p.Asp581Glu; replaces aspartic acid 581 with glutamic acid.
Molecular consequence: missense variant.
Genome position (GRCh38, 1-based): chr6:30,679,258, G>T on the plus strand (C>A on the coding strand, the complement: PPP1R18 is on the minus strand). VCF-style: chr6-30679258-G-T. GRCh37 (hg19) VCF-style: chr6-30647035-G-T.
Other names: c.1743C>A, p.Asp581Glu (NM_001134870.2); short protein forms D581E.
Identifiers: ClinVar variation 2656339 (VCV002656339.24), dbSNP rs115169407, ClinGen allele CA3701697.
Genomic context (GRCh38, chr6:30,679,258, plus strand): 5'-GCGCAGCCCGCCCTGGAGCTCTGGCTGCAGCAGCAGCAGCTCTTCCTCATCCTCTTCGTC[G>T]TCGGGTTGGGCTGCTGGAGGGTTGGGGGCACTGGGGACCTCAGGCTCCGGGCCCAGCTCC-3'
Protein context (NP_597728.1, residues 571-591): SAPNPPAAQP[Asp581Glu]DEEDEEELLL